The following is an entry in ClinVar:

ClinVar aggregate classification (germline): Likely benign. Review status: criteria provided, single submitter (1 of 4 stars). 2 submissions from 2 submitters: Likely benign (1). 1 of the submissions does not count toward it. Last evaluated 2023-02-23.

Conditions:
SMPD1-related disorder. Also called: SMPD1-related condition.
Niemann-Pick disease, type B. Also called: Chronic Visceral ASMD (Niemann-Pick Disease Type B; NPD-B). Identifiers: Orphanet 77293, MedGen C0268243, MONDO:0011871, OMIM 607616. Disease mechanism: loss of function.
Niemann-Pick disease, type A. Also called: Infantile Neurovisceral ASMD (Niemann-Pick Disease Type A; NPD-A); SPHINGOMYELIN LIPIDOSIS; SPHINGOMYELINASE DEFICIENCY. Identifiers: Orphanet 77292, MedGen C0268242, MONDO:0009756, OMIM 257200. Disease mechanism: loss of function.

Allele frequency attached by ClinVar (database versions not stated): ExAC 0.00001; gnomAD 0.00001 and 0.00002; gnomAD exomes 0.00001 and 0.00002; TOPMed 0.00001; ESP Exome Variant Server 0.00008.
gnomAD v4.1: 8 of 1,614,112 alleles (0.0005%); highest among the groups gnomAD compares: Admixed American, 0.0017%; no homozygotes.

Submissions (2):

Labcorp Genetics (formerly Invitae), Labcorp
Classification: Likely benign for Niemann-Pick disease, type B; Niemann-Pick disease, type A. Last evaluated: 2023-02-23. Review status: criteria provided, single submitter. Criteria: Invitae Variant Classification Sherloc (09022015). Collection method: clinical testing. Allele origin: germline.

PreventionGenetics, part of Exact Sciences
Classification: Likely benign for SMPD1-related condition. Last evaluated: 2023-02-02. Review status: no assertion criteria provided. Collection method: clinical testing. Allele origin: germline. Not counted in ClinVar's aggregate classification.
Comment: This variant is classified as likely benign based on ACMG/AMP sequence variant interpretation guidelines (Richards et al. 2015 PMID: 25741868, with internal and published modifications).

NM_000543.5(SMPD1):c.1653G>A (p.Leu551=)

Gene: SMPD1 (sphingomyelin phosphodiesterase 1; plus strand). Cytogenetic location: 11p15.4.
Variant type: single nucleotide variant.
Coding change: c.1653G>A on transcript NM_000543.5 (MANE Select); coding-DNA position 1653, G replaced by A.
Protein change: p.Leu551=; no amino-acid change (leucine 551 retained).
Molecular consequence: synonymous variant. On other transcripts: 3 prime UTR variant (1), non-coding transcript variant (2).
Genome position (GRCh38, 1-based): chr11:6,394,364, G>A. VCF-style: chr11-6394364-G-A. GRCh37 (hg19) VCF-style: chr11-6415594-G-A.
Other names: c.1653G>A (NM_000543.4); c.1650G>A, p.Leu550= (NM_001007593.3); c.*146G>A (NM_001318087.2); c.732G>A, p.Leu244= (NM_001318088.2); c.1521G>A, p.Leu507= (NM_001365135.2).
Identifiers: ClinVar variation 1620092 (VCV001620092.10), dbSNP rs377371222, ClinGen allele CA5852955.